The following is an entry in ClinVar:

ClinVar aggregate classification (germline): Likely benign (0 of 4 stars; one submission).

Conditions:
INPP5E-related disorder. Also called: INPP5E-related condition.

Submission:

PreventionGenetics, part of Exact Sciences
Classification: Likely benign for INPP5E-related condition. Last evaluated: 2023-07-18. Review status: no assertion criteria provided. Collection method: clinical testing. Allele origin: germline.
Comment: This variant is classified as likely benign based on ACMG/AMP sequence variant interpretation guidelines (Richards et al. 2015 PMID: 25741868, with internal and published modifications).

NM_019892.6(INPP5E):c.876C>A (p.Arg292=)

Gene: INPP5E (inositol polyphosphate-5-phosphatase E; minus strand). Cytogenetic location: 9q34.3.
Variant type: single nucleotide variant.
Coding change: c.876C>A on transcript NM_019892.6 (MANE Select); coding-DNA position 876, C replaced by A.
Protein change: p.Arg292=; no amino-acid change (arginine 292 retained).
Molecular consequence: synonymous variant.
Genome position (GRCh38, 1-based): chr9:136,434,800, G>T on the plus strand (C>A on the coding strand, the complement: INPP5E is on the minus strand). VCF-style: chr9-136434800-G-T. GRCh37 (hg19) VCF-style: chr9-139329252-G-T.
Other names: c.876C>A, p.Arg292= (NM_001318502.2).
Identifiers: ClinVar variation 3356555 (VCV003356555.1).